The following is an entry in ClinVar:

NM_025099.6(CTC1):c.226C>A (p.His76Asn)

Gene: CTC1 (CST telomere replication complex component 1; minus strand). Cytogenetic location: 17p13.1.
Variant type: single nucleotide variant.
Coding change: c.226C>A on transcript NM_025099.6 (MANE Select); coding-DNA position 226, C replaced by A.
Protein change: p.His76Asn; replaces histidine 76 with asparagine.
Molecular consequence: missense variant. On other transcripts: non-coding transcript variant (1).
Genome position (GRCh38, 1-based): chr17:8,238,601, G>T on the plus strand (C>A on the coding strand, the complement: CTC1 is on the minus strand). VCF-style: chr17-8238601-G-T. GRCh37 (hg19) VCF-style: chr17-8141919-G-T.
Other names: c.226C>A, p.His76Asn (NM_001411067.1); short protein forms H76N.
Identifiers: ClinVar variation 2056381 (VCV002056381.1), dbSNP rs2507952098, ClinGen allele CA397993885.

ClinVar aggregate classification (germline): Uncertain significance (1 of 4 stars; one submission).

Conditions:
Dyskeratosis congenita. Identifiers: Orphanet 1775, MedGen C0265965, MONDO:0015780.

Allele frequency attached by ClinVar (database versions not stated): gnomAD exomes below 0.00001.
gnomAD v4.1: 2 of 1,611,512 alleles (0.00012%); highest among the groups gnomAD compares: Non-Finnish European, 0.00017%; no homozygotes.

Submission:

Labcorp Genetics (formerly Invitae), Labcorp
Classification: Uncertain significance for Dyskeratosis congenita. Last evaluated: 2022-01-15. Review status: criteria provided, single submitter. Criteria: Invitae Variant Classification Sherloc (09022015). Collection method: clinical testing. Allele origin: germline.
Comment: This sequence change replaces histidine, which is basic and polar, with asparagine, which is neutral and polar, at codon 76 of the CTC1 protein (p.His76Asn). This variant is not present in population databases (gnomAD no frequency). This variant has not been reported in the literature in individuals affected with CTC1-related conditions. Algorithms developed to predict the effect of missense changes on protein structure and function are either unavailable or do not agree on the potential impact of this missense change (SIFT: "Tolerated"; PolyPhen-2: "Possibly Damaging"; Align-GVGD: "Class C0"). In summary, the available evidence is currently insufficient to determine the role of this variant in disease. Therefore, it has been classified as a Variant of Uncertain Significance.